The following is an entry in ClinVar:

NM_017671.5(FERMT1):c.50G>A (p.Arg17His)

Gene: FERMT1 (FERM domain containing kindlin 1; minus strand). Cytogenetic location: 20p12.3.
Variant type: single nucleotide variant.
Coding change: c.50G>A on transcript NM_017671.5 (MANE Select); coding-DNA position 50, G replaced by A.
Protein change: p.Arg17His; replaces arginine 17 with histidine.
Molecular consequence: missense variant.
Genome position (GRCh38, 1-based): chr20:6,119,505, C>T on the plus strand (G>A on the coding strand, the complement: FERMT1 is on the minus strand). VCF-style: chr20-6119505-C-T. GRCh37 (hg19) VCF-style: chr20-6100152-C-T.
Other names: c.50G>A (NM_017671.4); short protein forms R17H.
Identifiers: ClinVar variation 1506217 (VCV001506217.5), dbSNP rs369858160, ClinGen allele CA9758561.

ClinVar aggregate classification (germline): Uncertain significance. Review status: criteria provided, multiple submitters, no conflicts (2 of 4 stars). 3 submissions from 3 submitters: Uncertain significance (3). Last evaluated 2025-07-21.

Conditions:
Inborn genetic diseases. Identifiers: MedGen C0950123, MeSH D030342.
FERMT1-related disorder. Also called: FERMT1-related condition.

Allele frequency attached by ClinVar (database versions not stated): gnomAD exomes 0.00005 and 0.00006; ExAC 0.00006; ESP Exome Variant Server 0.00008; gnomAD 0.00008; TOPMed 0.00009.
gnomAD v4.1: 92 of 1,614,170 alleles (0.0057%); highest among the groups gnomAD compares: South Asian, 0.0099%; no homozygotes.

Submissions (3):

Labcorp Genetics (formerly Invitae), Labcorp
Classification: Uncertain significance. Last evaluated: 2025-07-21. Review status: criteria provided, single submitter. Criteria: Invitae Variant Classification Sherloc (09022015). Collection method: clinical testing. Allele origin: germline.
Comment: This sequence change replaces arginine, which is basic and polar, with histidine, which is basic and polar, at codon 17 of the FERMT1 protein (p.Arg17His). This variant is present in population databases (rs369858160, gnomAD 0.01%). This variant has not been reported in the literature in individuals affected with FERMT1-related conditions. ClinVar contains an entry for this variant (Variation ID: 1506217). Invitae Evidence Modeling of protein sequence and biophysical properties (such as structural, functional, and spatial information, amino acid conservation, physicochemical variation, residue mobility, and thermodynamic stability) indicates that this missense variant is not expected to disrupt FERMT1 protein function with a negative predictive value of 80%. In summary, the available evidence is currently insufficient to determine the role of this variant in disease. Therefore, it has been classified as a Variant of Uncertain Significance.

Ambry Genetics
Classification: Uncertain significance for Inborn genetic diseases. Last evaluated: 2025-02-07. Review status: criteria provided, single submitter. Criteria: Ambry Variant Classification Scheme 2023. Collection method: clinical testing. Allele origin: germline.

PreventionGenetics, part of Exact Sciences
Classification: Uncertain significance for FERMT1-related condition. Last evaluated: 2023-08-01. Review status: criteria provided, single submitter. Criteria: ACMG Guidelines, 2015. Collection method: clinical testing. Allele origin: germline.
Comment: The FERMT1 c.50G>A variant is predicted to result in the amino acid substitution p.Arg17His. To our knowledge, this variant has not been reported in the literature. This variant is reported in 0.012% of alleles in individuals of African descent in gnomAD. At this time, the clinical significance of this variant is uncertain due to the absence of conclusive functional and genetic evidence.